The following is an entry in ClinVar:

ClinVar aggregate classification (germline): Benign/Likely benign. Review status: criteria provided, multiple submitters, no conflicts (2 of 4 stars). 5 submissions from 5 submitters: Benign (4); Likely benign (1). Last evaluated 2024-11-27.

Allele frequency attached by ClinVar (database versions not stated): 1000 Genomes Project 0.00958; 1000 Genomes Project 30x 0.01015; TOPMed 0.01435; gnomAD 0.01504 and 0.01529; gnomAD exomes 0.01711 and 0.02149; ExAC 0.01947; ESP Exome Variant Server 0.02124.
gnomAD v4.1: 32,313 of 1,551,024 alleles (2.1%); highest among the groups gnomAD compares: South Asian, 2.4%; 392 homozygotes.

Submissions (5):

Blueprint Genetics
Classification: Likely benign. Last evaluated: 2024-11-27. Review status: criteria provided, single submitter. Criteria: ACMG Guidelines, 2015. Collection method: clinical testing. Allele origin: germline.

CeGaT Center for Human Genetics Tuebingen
Classification: Benign. Last evaluated: 2023-01-01. Review status: criteria provided, single submitter. Criteria: CeGaT Center For Human Genetics Tuebingen Variant Classification Criteria Version 2. Collection method: clinical testing. Allele origin: germline. Affected: yes. Observed: 9 variant alleles.
Comment: PTPRQ: BP4, BS1, BS2

Athena Diagnostics
Classification: Benign. Last evaluated: 2019-05-15. Review status: criteria provided, single submitter. Criteria: Athena Diagnostics Criteria. Collection method: clinical testing. Allele origin: germline.

GeneDx
Classification: Benign. Last evaluated: 2018-07-19. Review status: criteria provided, single submitter. Criteria: GeneDx Variant Classification Process June 2021. Collection method: clinical testing. Allele origin: germline. Affected: yes.
Comment: This variant is associated with the following publications: (PMID: 20472657)

Breakthrough Genomics
Classification: Benign. Review status: criteria provided, single submitter. Criteria: ACMG Guidelines, 2015. Collection method: not provided. Allele origin: germline. Inheritance: Autosomal recessive inheritance. Affected: yes.

Literature cited by the submitters: PubMed 20472657 (cited by Athena Diagnostics).

NM_001145026.2(PTPRQ):c.1285C>G (p.Gln429Glu)

Gene: PTPRQ (protein tyrosine phosphatase receptor type Q; plus strand). Cytogenetic location: 12q21.31.
Variant type: single nucleotide variant.
Coding change: c.1285C>G on transcript NM_001145026.2 (MANE Select); coding-DNA position 1285, C replaced by G.
Protein change: p.Gln429Glu; replaces glutamine 429 with glutamic acid.
Molecular consequence: missense variant.
Genome position (GRCh38, 1-based): chr12:80,484,531, C>G. VCF-style: chr12-80484531-C-G. GRCh37 (hg19) VCF-style: chr12-80878310-C-G.
Other names: short protein forms Q429E.
Identifiers: ClinVar variation 514105 (VCV000514105.29), dbSNP rs61729287, ClinGen allele CA6702411.